The following is an entry in ClinVar:

ClinVar aggregate classification (germline): Uncertain significance. Review status: criteria provided, multiple submitters, no conflicts (2 of 4 stars). 2 submissions from 2 submitters: Uncertain significance (2). Last evaluated 2025-04-08.

Conditions:
Dilated cardiomyopathy 1AA (CMD1AA). Also called: CARDIOMYOPATHY, DILATED, 1AA, WITH OR WITHOUT LEFT VENTRICULAR NONCOMPACTION; CARDIOMYOPATHY, FAMILIAL HYPERTROPHIC, 23, WITH OR WITHOUT LEFT VENTRICULAR NONCOMPACTION; Cardiomyopathy, dilated, 1AA, with or without LVNC. Identifiers: Orphanet 154, MedGen C2677338, MONDO:0012808, OMIM 612158.
Primary familial hypertrophic cardiomyopathy (HCM). Identifiers: Orphanet 99739, MedGen C0949658, MeSH D024741, MONDO:0024573. Inheritance: Various modes of inheritance.

Submissions (2):

GeneDx
Classification: Uncertain significance. Last evaluated: 2025-04-08. Review status: criteria provided, single submitter. Criteria: GeneDx Variant Classification Process June 2021. Collection method: clinical testing. Allele origin: germline. Affected: yes.
Comment: Not observed at significant frequency in large population cohorts (gnomAD); In silico analysis supports that this missense variant has a deleterious effect on protein structure/function; Has not been previously published as pathogenic or benign to our knowledge

Labcorp Genetics (formerly Invitae), Labcorp
Classification: Uncertain significance for Primary familial hypertrophic cardiomyopathy; Dilated cardiomyopathy 1AA. Last evaluated: 2023-01-01. Review status: criteria provided, single submitter. Criteria: Invitae Variant Classification Sherloc (09022015). Collection method: clinical testing. Allele origin: germline.
Comment: In summary, the available evidence is currently insufficient to determine the role of this variant in disease. Therefore, it has been classified as a Variant of Uncertain Significance. Advanced modeling of protein sequence and biophysical properties (such as structural, functional, and spatial information, amino acid conservation, physicochemical variation, residue mobility, and thermodynamic stability) performed at Invitae indicates that this missense variant is expected to disrupt ACTN2 protein function. This variant has not been reported in the literature in individuals affected with ACTN2-related conditions. This variant is not present in population databases (gnomAD no frequency). This sequence change replaces lysine, which is basic and polar, with asparagine, which is neutral and polar, at codon 562 of the ACTN2 protein (p.Lys562Asn).

NM_001103.4(ACTN2):c.1686G>C (p.Lys562Asn)

Gene: ACTN2 (actinin alpha 2; plus strand). Cytogenetic location: 1q43.
Variant type: single nucleotide variant.
Coding change: c.1686G>C on transcript NM_001103.4 (MANE Select); coding-DNA position 1686, G replaced by C.
Protein change: p.Lys562Asn; replaces lysine 562 with asparagine.
Molecular consequence: missense variant. On other transcripts: non-coding transcript variant (1).
Genome position (GRCh38, 1-based): chr1:236,751,499, G>C. VCF-style: chr1-236751499-G-C. GRCh37 (hg19) VCF-style: chr1-236914799-G-C.
Other names: c.1686G>C, p.Lys562Asn (NM_001278343.2); c.1062G>C, p.Lys354Asn (NM_001278344.2); c.936G>C, p.Lys312Asn (NM_001412150.1); c.1686G>C (NM_001103.2); short protein forms K354N, K562N, K312N.
Identifiers: ClinVar variation 2942261 (VCV002942261.4), dbSNP rs2527635596, ClinGen allele CA345385726.